The following is an entry in ClinVar:

ClinVar aggregate classification (germline): Uncertain significance (1 of 4 stars; one submission).

Allele frequency attached by ClinVar (database versions not stated): TOPMed below 0.00001; gnomAD 0.00001.
gnomAD v4.1: 1 of 1,613,756 alleles (0.000062%); highest among the groups gnomAD compares: Admixed American, 0.0017%; no homozygotes.

Submission:

Laboratorio de Genetica e Diagnostico Molecular, Hospital Israelita Albert Einstein
Classification: Uncertain significance. Last evaluated: 2020-02-14. Review status: criteria provided, single submitter. Criteria: ACMG Guidelines, 2015. Collection method: clinical testing. Allele origin: germline. Affected: yes.
Comment: ACMG classification criteria: PM2

NM_012213.3(MLYCD):c.1394G>A (p.Ser465Asn)

Gene: MLYCD (malonyl-CoA decarboxylase; plus strand). Cytogenetic location: 16q23.3.
Variant type: single nucleotide variant.
Coding change: c.1394G>A on transcript NM_012213.3 (MANE Select); coding-DNA position 1394, G replaced by A.
Protein change: p.Ser465Asn; replaces serine 465 with asparagine.
Molecular consequence: missense variant.
Genome position (GRCh38, 1-based): chr16:83,915,401, G>A. VCF-style: chr16-83915401-G-A. GRCh37 (hg19) VCF-style: chr16-83949006-G-A.
Other names: short protein forms S465N.
Identifiers: ClinVar variation 1690805 (VCV001690805.2), dbSNP rs1395300408, ClinGen allele CA396920635.